The following is an entry in ClinVar:

NM_000059.4(BRCA2):c.10130A>G (p.Glu3377Gly)

Gene: BRCA2 (BRCA2 DNA repair associated; plus strand). Cytogenetic location: 13q13.1.
Variant type: single nucleotide variant.
Coding change: c.10130A>G on transcript NM_000059.4 (MANE Select); coding-DNA position 10130, A replaced by G.
Protein change: p.Glu3377Gly; replaces glutamic acid 3377 with glycine.
Molecular consequence: missense variant.
Genome position (GRCh38, 1-based): chr13:32,398,643, A>G. VCF-style: chr13-32398643-A-G. GRCh37 (hg19) VCF-style: chr13-32972780-A-G.
Other names: short protein forms E3377G.
Identifiers: ClinVar variation 1003450 (VCV001003450.9), dbSNP rs2073056123, ClinGen allele CA387768094.

ClinVar aggregate classification (germline): Uncertain significance (1 of 4 stars; one submission).

Conditions:
Hereditary breast ovarian cancer syndrome. Also called: Hereditary breast and/or ovarian cancer syndrome; Hereditary breast and ovarian cancer syndrome; Hereditary breast and ovarian cancer syndrome (HBOC); Breast and ovarian cancer; BRCA1- and BRCA2-Associated Hereditary Breast and Ovarian Cancer; Hereditary breast and ovarian cancer. Identifiers: Orphanet 145, MedGen C0677776, MeSH D061325, MONDO:0003582. Disease mechanism: loss of function.

Submission:

Labcorp Genetics (formerly Invitae), Labcorp
Classification: Uncertain significance for Hereditary breast ovarian cancer syndrome. Last evaluated: 2018-02-26. Review status: criteria provided, single submitter. Criteria: Invitae Variant Classification Sherloc (09022015). Collection method: clinical testing. Allele origin: germline.
Comment: In summary, the available evidence is currently insufficient to determine the role of this variant in disease. Therefore, it has been classified as a Variant of Uncertain Significance. Algorithms developed to predict the effect of missense changes on protein structure and function output the following: SIFT: "Tolerated"; PolyPhen-2: "Benign"; Align-GVGD: "Class C0". The glycine amino acid residue is found in multiple mammalian species, suggesting that this missense change does not adversely affect protein function. These predictions have not been confirmed by published functional studies and their clinical significance is uncertain. This variant has not been reported in the literature in individuals with BRCA2-related disease. This variant is not present in population databases (ExAC no frequency). This sequence change replaces glutamic acid with glycine at codon 3377 of the BRCA2 protein (p.Glu3377Gly). The glutamic acid residue is weakly conserved and there is a moderate physicochemical difference between glutamic acid and glycine.